The following is an entry in ClinVar:

NM_033380.3(COL4A5):c.3002T>A (p.Leu1001Ter)

Gene: COL4A5 (collagen type IV alpha 5 chain; plus strand). Cytogenetic location: Xq22.3.
Variant type: single nucleotide variant.
Coding change: c.3002T>A on transcript NM_033380.3 (MANE Select); coding-DNA position 3002, T replaced by A.
Protein change: p.Leu1001Ter; replaces leucine 1001 with a stop codon.
Molecular consequence: nonsense.
Genome position (GRCh38, 1-based): chrX:108,624,320, T>A. VCF-style: chrX-108624320-T-A. GRCh37 (hg19) VCF-style: chrX-107867550-T-A.
Other names: c.3002T>A, p.Leu1001Ter (NM_000495.5); short protein forms L1001*.
Identifiers: ClinVar variation 1725244 (VCV001725244.2), dbSNP rs2524414626, ClinGen allele CA413853632.
Genomic context (GRCh38, chrX:108,624,320, plus strand): 5'-AAGGTTATCAGGGTTTGCCTGGAGACCCAGGGCAACCTGGACTGAGTGGACAACCTGGAT[T>A]ACCAGGACCACCAGGTAAGTGTGATAGGCCATTTGTAGCAATTGCTTAGCTGACACTGAA-3'

ClinVar aggregate classification (germline): Likely pathogenic (1 of 4 stars; one submission).

Conditions:
X-linked Alport syndrome (ATS1). Also called: COL4A5-Related Nephropathy; NEPHROPATHY AND DEAFNESS, X-LINKED. Identifiers: Orphanet 63, Orphanet 88917, MedGen C4746986, MONDO:0010520, OMIM 301050.

Submission:

Myriad Genetics, Inc.
Classification: Likely pathogenic for X-linked Alport syndrome. Last evaluated: 2022-03-15. Review status: criteria provided, single submitter. Criteria: Myriad Women's Health Autosomal Recessive and X-Linked Classification Criteria (2021). Collection method: clinical testing. Allele origin: unknown.
Comment: NM_000495.4(COL4A5):c.3002T>A(L1001*) is expected to be pathogenic in the context of X-linked Alport syndrome. This variant is predicted to lead to an abnormal or absent protein product due to the creation of a premature termination codon in COL4A5, a gene where loss-of-function variants are known to be pathogenic. Please note: this variant was assessed in the context of healthy population screening.